The following is an entry in ClinVar:

NM_000836.4(GRIN2D):c.34G>A (p.Gly12Ser)

Gene: GRIN2D (glutamate ionotropic receptor NMDA type subunit 2D; plus strand). Cytogenetic location: 19q13.33.
Variant type: single nucleotide variant.
Coding change: c.34G>A on transcript NM_000836.4 (MANE Select); coding-DNA position 34, G replaced by A.
Protein change: p.Gly12Ser; replaces glycine 12 with serine.
Molecular consequence: missense variant.
Genome position (GRCh38, 1-based): chr19:48,398,426, G>A. VCF-style: chr19-48398426-G-A. GRCh37 (hg19) VCF-style: chr19-48901683-G-A.
Other names: c.34G>A (NM_000836.2); short protein forms G12S.
Identifiers: ClinVar variation 2784537 (VCV002784537.4), dbSNP rs1970668670, ClinGen allele CA406688144.

ClinVar aggregate classification (germline): Uncertain significance. Review status: criteria provided, multiple submitters, no conflicts (2 of 4 stars). 2 submissions from 2 submitters: Uncertain significance (2). Last evaluated 2024-03-26.

Conditions:
Inborn genetic diseases. Identifiers: MedGen C0950123, MeSH D030342.

Allele frequency attached by ClinVar (database versions not stated): TOPMed below 0.00001.

Submissions (2):

Ambry Genetics
Classification: Uncertain significance for Inborn genetic diseases. Last evaluated: 2024-03-26. Review status: criteria provided, single submitter. Criteria: Ambry Variant Classification Scheme 2023. Collection method: clinical testing. Allele origin: germline.

Labcorp Genetics (formerly Invitae), Labcorp
Classification: Uncertain significance. Last evaluated: 2023-07-17. Review status: criteria provided, single submitter. Criteria: Invitae Variant Classification Sherloc (09022015). Collection method: clinical testing. Allele origin: germline.
Comment: In summary, the available evidence is currently insufficient to determine the role of this variant in disease. Therefore, it has been classified as a Variant of Uncertain Significance. Advanced modeling of protein sequence and biophysical properties (such as structural, functional, and spatial information, amino acid conservation, physicochemical variation, residue mobility, and thermodynamic stability) performed at Invitae indicates that this missense variant is not expected to disrupt GRIN2D protein function. This variant has not been reported in the literature in individuals affected with GRIN2D-related conditions. The frequency data for this variant in the population databases is considered unreliable, as metrics indicate insufficient coverage at this position in the gnomAD database. This sequence change replaces glycine, which is neutral and non-polar, with serine, which is neutral and polar, at codon 12 of the GRIN2D protein (p.Gly12Ser).